The following is an entry in ClinVar:

ClinVar aggregate classification (germline): Benign/Likely benign. Review status: criteria provided, multiple submitters, no conflicts (2 of 4 stars). 6 submissions from 6 submitters: Benign (2); Likely benign (3). 1 of the submissions does not count toward it. Last evaluated 2026-01-21.

Conditions:
GABRG2-related disorder. Also called: GABRG2-related condition.
Inborn genetic diseases. Identifiers: MedGen C0950123, MeSH D030342.
Febrile seizures, familial, 8 (FEB8). Also called: CONVULSIONS, FAMILIAL FEBRILE, 8. Identifiers: Orphanet 36387, MedGen C1969810, MONDO:0011891, OMIM 607681.
EPILEPSY, CHILDHOOD ABSENCE, SUSCEPTIBILITY TO, 2 (ECA2). Identifiers: Orphanet 64280, MedGen C1843244, OMIM 607681.

Allele frequency attached by ClinVar (database versions not stated): gnomAD below 0.00001 and 0.00013; TOPMed 0.00002; gnomAD exomes 0.00025 and 0.00045; ExAC 0.00049; 1000 Genomes Project 0.00060; 1000 Genomes Project 30x 0.00094.
gnomAD v4.1: 378 of 1,614,064 alleles (0.023%); highest among the groups gnomAD compares: South Asian, 0.39%; 4 homozygotes.

Submissions (6):

Labcorp Genetics (formerly Invitae), Labcorp
Classification: Benign for Febrile seizures, familial, 8; EPILEPSY, CHILDHOOD ABSENCE, SUSCEPTIBILITY TO, 2. Last evaluated: 2026-01-21. Review status: criteria provided, single submitter. Criteria: Invitae Variant Classification Sherloc (09022015). Collection method: clinical testing. Allele origin: germline.

Blueprint Genetics
Classification: Likely benign. Last evaluated: 2024-05-06. Review status: criteria provided, single submitter. Criteria: ACMG Guidelines, 2015. Collection method: clinical testing. Allele origin: germline.

CeGaT Center for Human Genetics Tuebingen
Classification: Likely benign. Last evaluated: 2023-09-01. Review status: criteria provided, single submitter. Criteria: CeGaT Center For Human Genetics Tuebingen Variant Classification Criteria Version 2. Collection method: clinical testing. Allele origin: germline. Affected: yes. Observed: 1 variant allele.
Comment: GABRG2: BP4, BP7, BS1

Ambry Genetics
Classification: Likely benign for Inborn genetic diseases. Last evaluated: 2017-06-12. Review status: criteria provided, single submitter. Criteria: Ambry Variant Classification Scheme 2023. Collection method: clinical testing. Allele origin: germline.

GeneDx
Classification: Benign. Last evaluated: 2013-07-02. Review status: criteria provided, single submitter. Criteria: GeneDx Variant Classification (06012015). Collection method: clinical testing. Allele origin: germline. Affected: yes.
Comment: This variant is considered likely benign or benign based on one or more of the following criteria: it is a conservative change, it occurs at a poorly conserved position in the protein, it is predicted to be benign by multiple in silico algorithms, and/or has population frequency not consistent with disease.

PreventionGenetics, part of Exact Sciences
Classification: Likely benign for GABRG2-related condition. Last evaluated: 2019-09-20. Review status: no assertion criteria provided. Collection method: clinical testing. Allele origin: germline. Not counted in ClinVar's aggregate classification.
Comment: This variant is classified as likely benign based on ACMG/AMP sequence variant interpretation guidelines (Richards et al. 2015 PMID: 25741868, with internal and published modifications).

NM_198904.4(GABRG2):c.840T>C (p.Tyr280=)

Gene: GABRG2 (gamma-aminobutyric acid type A receptor subunit gamma2; plus strand). Cytogenetic location: 5q34.
Variant type: single nucleotide variant.
Coding change: c.840T>C on transcript NM_198904.4 (MANE Select); coding-DNA position 840, T replaced by C.
Protein change: p.Tyr280=; no amino-acid change (tyrosine 280 retained).
Molecular consequence: synonymous variant.
Genome position (GRCh38, 1-based): chr5:162,142,234, T>C. VCF-style: chr5-162142234-T-C. GRCh37 (hg19) VCF-style: chr5-161569240-T-C.
Other names: p.Y280Y:TAT>TAC; c.831T>C, p.Tyr277= (NM_001375339.1); c.840T>C, p.Tyr280= (NM_001375340.1, NM_000816.3); c.837T>C, p.Tyr279= (NM_001375341.1, NM_001375342.1); c.960T>C, p.Tyr320= (NM_001375343.1, NM_198903.2); c.879T>C, p.Tyr293= (NM_001375344.1); c.774T>C, p.Tyr258= (NM_001375345.1, NM_001375346.1); c.753T>C, p.Tyr251= (NM_001375347.1); and 2 more.
Identifiers: ClinVar variation 137430 (VCV000137430.38), dbSNP rs558779533, ClinGen allele CA291008.